The following is an entry in ClinVar:

NM_001267550.2(TTN):c.30487G>T (p.Ala10163Ser)

Gene: TTN (titin; minus strand). Cytogenetic location: 2q31.2.
Variant type: single nucleotide variant.
Coding change: c.30487G>T on transcript NM_001267550.2 (MANE Select); coding-DNA position 30487, G replaced by T.
Protein change: p.Ala10163Ser; replaces alanine 10163 with serine.
Molecular consequence: missense variant. On other transcripts: intron variant (3).
Genome position (GRCh38, 1-based): chr2:178,702,192, C>A on the plus strand (G>T on the coding strand, the complement: TTN is on the minus strand). VCF-style: chr2-178702192-C-A. GRCh37 (hg19) VCF-style: chr2-179566919-C-A.
Other names: p.A9846S:GCA>TCA; c.29536G>T, p.Ala9846Ser (NM_001256850.1); c.26755G>T, p.Ala8919Ser (NM_133378.4); c.13282+35890G>T (NM_003319.4); c.13858+35890G>T (NM_133437.4); c.13657+35890G>T (NM_133432.3); short protein forms A10163S, A9846S, A8919S.
Identifiers: ClinVar variation 202557 (VCV000202557.2), dbSNP rs794729404, ClinGen allele CA309581.
Genomic context (GRCh38, chr2:178,702,192, plus strand): 5'-AGATGGCAGGGTGGCTTTCTGATGGCGCTACCTCACCTTTCGTCGTTAGGTACAGCTCTG[C>A]CGTGCTTCTTGCTTCACCTCTTGGCTCCAGCCGAGCGATGACCGAGTAGACACCTAGGGT-3'
Protein context (NP_001254479.2, residues 10153-10173): LEPRGEARST[Ala10163Ser]ELYLTTKEIK

ClinVar aggregate classification (germline): Uncertain significance (1 of 4 stars; one submission).

Submission:

GeneDx
Classification: Uncertain significance. Last evaluated: 2013-05-07. Review status: criteria provided, single submitter. Criteria: GeneDx Variant Classification (06012015). Collection method: clinical testing. Allele origin: germline. Affected: yes.
Comment: Missense variants in the TTN gene are considered 'unclassified' if they are not previously reported in the literature and do not have >1% frequency in the population to be considered a polymorphism. Research indicates that truncating mutations in the TTN gene are expected to account for approximately 25% of familial and 18% of sporadic idiopathic DCM; however, truncating variants in the TTN gene have been reported in approximately 3% of reported control alleles. There has been little investigation into non-truncating variants. (Herman D et al. Truncations of titin causing dilated cardiomyopathy. N Eng J Med 366:619-628, 2012) The variant is found in DCM panel(s).